The following is an entry in ClinVar:

ClinVar aggregate classification (germline): Uncertain significance. Review status: criteria provided, multiple submitters, no conflicts (2 of 4 stars). 8 submissions from 8 submitters: Uncertain significance (7). 1 of the submissions does not count toward it. Last evaluated 2026-04-23.

Conditions:
Retinitis pigmentosa (RP). Identifiers: Orphanet 791, MedGen C0035334, MeSH D012174, MONDO:0019200, OMIM 268000. Inheritance: Autosomal dominant, autosomal recessive and X linked inheritance.
Retinitis pigmentosa 25 (RP25). Identifiers: Orphanet 791, MedGen C1864446, MONDO:0011272, OMIM 602772.
Autosomal recessive retinitis pigmentosa. Identifiers: MedGen C0339526.
EYS-related disorder. Also called: EYS-related condition.
Inborn genetic diseases. Identifiers: MedGen C0950123, MeSH D030342.

Allele frequency attached by ClinVar (database versions not stated): gnomAD exomes 0.00001 and 0.00003; gnomAD 0.00002; TOPMed 0.00003; ExAC 0.00005.
gnomAD v4.1: 21 of 1,551,524 alleles (0.0014%); highest among the groups gnomAD compares: South Asian, 0.0012%; no homozygotes.

Submissions (8):

Myriad Genetics, Inc.
Classification: Uncertain significance for Retinitis pigmentosa 25. Last evaluated: 2026-04-23. Review status: criteria provided, single submitter. Criteria: Myriad Autosomal Dominant, Autosomal Recessive and X-Linked Classification Criteria (2023). Collection method: clinical testing. Allele origin: unknown.
Comment: NM_001142800.1(EYS):c.8861T>A(F2954Y) is a missense variant classified as a variant of uncertain significance in the context of retinitis pigmentosa, EYS-related. F2954Y has been observed in a case with relevant disease (PMID: 37734845). Relevant functional assessments of this variant are not available in the literature. F2954Y has been observed in referenced population frequency databases. In summary, there is insufficient evidence to classify NM_001142800.1(EYS):c.8861T>A(F2954Y) as pathogenic or benign. Please note: this variant was assessed in the context of healthy population screening.

PreventionGenetics, part of Exact Sciences
Classification: Uncertain significance for EYS-related condition. Last evaluated: 2025-11-18. Review status: criteria provided, single submitter. Criteria: ACMG Guidelines, 2015. Collection method: clinical testing. Allele origin: germline.
Comment: The EYS c.8861T>A variant is predicted to result in the amino acid substitution p.Phe2954Tyr. This variant was reported in an individual with inherited retinal disease (Table S1, Weisschuh et al. 2024. PubMed ID: 37734845). An alternate missense change impacting this amino acid position (p.Phe2954Leu) has been reported in individuals with inherited retinal disease (Ge et al. 2015. PubMed ID: 26667666). This variant is reported in 0.035% of alleles in individuals of Ashkenazi Jewish descent in gnomAD. At this time, the clinical significance of this variant is uncertain due to the absence of conclusive functional and genetic evidence.

Blueprint Genetics
Classification: Uncertain significance. Last evaluated: 2024-10-07. Review status: criteria provided, single submitter. Criteria: ACMG Guidelines, 2015. Collection method: clinical testing. Allele origin: germline.

Ambry Genetics
Classification: Uncertain significance for Inborn genetic diseases. Last evaluated: 2023-03-01. Review status: criteria provided, single submitter. Criteria: Ambry Variant Classification Scheme 2023. Collection method: clinical testing. Allele origin: germline.

Labcorp Genetics (formerly Invitae), Labcorp
Classification: Uncertain significance. Last evaluated: 2022-10-24. Review status: criteria provided, single submitter. Criteria: Invitae Variant Classification Sherloc (09022015). Collection method: clinical testing. Allele origin: germline.
Comment: This sequence change replaces phenylalanine, which is neutral and non-polar, with tyrosine, which is neutral and polar, at codon 2954 of the EYS protein (p.Phe2954Tyr). This variant is present in population databases (rs755879622, gnomAD 0.04%). This variant has not been reported in the literature in individuals affected with EYS-related conditions. ClinVar contains an entry for this variant (Variation ID: 809962). Advanced modeling of protein sequence and biophysical properties (such as structural, functional, and spatial information, amino acid conservation, physicochemical variation, residue mobility, and thermodynamic stability) has been performed at Invitae for this missense variant, however the output from this modeling did not meet the statistical confidence thresholds required to predict the impact of this variant on EYS protein function. In summary, the available evidence is currently insufficient to determine the role of this variant in disease. Therefore, it has been classified as a Variant of Uncertain Significance.

CeGaT Center for Human Genetics Tuebingen
Classification: Uncertain significance. Last evaluated: 2019-03-01. Review status: criteria provided, single submitter. Criteria: CeGaT Center For Human Genetics Tuebingen Variant Classification Criteria Version 2. Collection method: clinical testing. Allele origin: germline. Affected: yes. Observed: 2 variant alleles.

Illumina Laboratory Services, Illumina
Classification: Uncertain significance for Retinitis pigmentosa. Last evaluated: 2017-04-28. Review status: criteria provided, single submitter. Criteria: ICSL Variant Classification Criteria 13 December 2019. Collection method: clinical testing. Allele origin: germline.

Natera, Inc.
Classification: Uncertain significance for Autosomal recessive retinitis pigmentosa. Last evaluated: 2020-09-11. Review status: no assertion criteria provided. Collection method: clinical testing. Allele origin: germline. Not counted in ClinVar's aggregate classification.

Literature cited by the submitters: PubMed 37734845 (cited by Myriad Genetics, Inc.).

NM_001142800.2(EYS):c.8861T>A (p.Phe2954Tyr)

Genes: EYS (EGF-like photoreceptor maintenance factor; minus strand), PHF3 (PHD finger protein 3; plus strand). Cytogenetic location: 6q12.
Variant type: single nucleotide variant.
Coding change: c.8861T>A on transcript NM_001142800.2 (MANE Select); coding-DNA position 8861, T replaced by A.
Protein change: p.Phe2954Tyr; replaces phenylalanine 2954 with tyrosine.
Molecular consequence: missense variant. On other transcripts: 3 prime UTR variant (5).
Genome position (GRCh38, 1-based): chr6:63,721,170, A>T on the plus strand (T>A on the coding strand, the complement: EYS is on the minus strand). VCF-style: chr6-63721170-A-T. GRCh37 (hg19) VCF-style: chr6-64431066-A-T.
Other names: c.*7462A>T (NM_001290259.2, NM_001370348.2, NM_001370349.2 and 2 more transcripts); c.8924T>A, p.Phe2975Tyr (NM_001292009.2); short protein forms F2975Y, F2954Y.
Identifiers: ClinVar variation 809962 (VCV000809962.53), dbSNP rs755879622, ClinGen allele CA3876685.